The following is an entry in ClinVar:

NM_000138.5(FBN1):c.4354C>T (p.Leu1452Phe)

Gene: FBN1 (fibrillin 1; minus strand). Cytogenetic location: 15q21.1.
Variant type: single nucleotide variant.
Coding change: c.4354C>T on transcript NM_000138.5 (MANE Select); coding-DNA position 4354, C replaced by T.
Protein change: p.Leu1452Phe; replaces leucine 1452 with phenylalanine.
Molecular consequence: missense variant.
Genome position (GRCh38, 1-based): chr15:48,470,739, G>A on the plus strand (C>T on the coding strand, the complement: FBN1 is on the minus strand). VCF-style: chr15-48470739-G-A. GRCh37 (hg19) VCF-style: chr15-48762936-G-A.
Other names: c.4354C>T, p.Leu1452Phe (NM_001406716.1); short protein forms L1452F.
Identifiers: ClinVar variation 2444200 (VCV002444200.1), dbSNP rs1309023948, ClinGen allele CA392354760.
Genomic context (GRCh38, chr15:48,470,739, plus strand): 5'-ACTCACAGCGGAACAGGCCAGGGAGGTTGTGGCAAGTTCCAAAGACACAGATGTTCGGAA[G>A]GGAGCACTCATCAATATCTTGGGGGGAGGGAGAAAAAAGCAAAAAACTTAACTTATATTT-3'
Protein context (NP_000129.3, residues 1442-1462): KACEDIDECS[Leu1452Phe]PNICVFGTCH

ClinVar aggregate classification (germline): Uncertain significance (1 of 4 stars; one submission).

Conditions:
Acromicric dysplasia (ACMICD). Also called: Acromicric skeletal dysplasia. Identifiers: Orphanet 969, MedGen C0265287, MONDO:0007055, OMIM 102370.

Submission:

3billion
Classification: Uncertain significance for Acromicric dysplasia. Last evaluated: 2023-02-23. Review status: criteria provided, single submitter. Criteria: ACMG Guidelines, 2015. Collection method: clinical testing. Allele origin: unknown. Affected: yes.
Comment: The variant is not observed in the gnomAD v2.1.1 dataset. In silico tool predictions suggest damaging effect of the variant on gene or gene product (3Cnet: 0.96). Therefore, this variant is classified as VUS according to the recommendation of ACMG/AMP guideline.